The following is an entry in ClinVar:

ClinVar aggregate classification (germline): Uncertain significance (1 of 4 stars; one submission).

Allele frequency attached by ClinVar (database versions not stated): ExAC 0.00002.
gnomAD v4.1: 1 of 1,613,258 alleles (0.000062%); highest among the groups gnomAD compares: East Asian, 0.0022%; no homozygotes.

Submission:

Labcorp Genetics (formerly Invitae), Labcorp
Classification: Uncertain significance. Last evaluated: 2024-06-03. Review status: criteria provided, single submitter. Criteria: Invitae Variant Classification Sherloc (09022015). Collection method: clinical testing. Allele origin: germline.
Comment: This sequence change replaces arginine, which is basic and polar, with glycine, which is neutral and non-polar, at codon 502 of the CFI protein (p.Arg502Gly). This variant is present in population databases (rs764371341, gnomAD 0.01%). This variant has not been reported in the literature in individuals affected with CFI-related conditions. Advanced modeling of protein sequence and biophysical properties (such as structural, functional, and spatial information, amino acid conservation, physicochemical variation, residue mobility, and thermodynamic stability) performed at Invitae indicates that this missense variant is expected to disrupt CFI protein function with a positive predictive value of 80%. In summary, the available evidence is currently insufficient to determine the role of this variant in disease. Therefore, it has been classified as a Variant of Uncertain Significance.

NM_000204.5(CFI):c.1504C>G (p.Arg502Gly)

Gene: CFI (complement factor I; minus strand). Cytogenetic location: 4q25.
Variant type: single nucleotide variant.
Coding change: c.1504C>G on transcript NM_000204.5 (MANE Select); coding-DNA position 1504, C replaced by G.
Protein change: p.Arg502Gly; replaces arginine 502 with glycine.
Molecular consequence: missense variant. On other transcripts: non-coding transcript variant (3).
Genome position (GRCh38, 1-based): chr4:109,742,521, G>C on the plus strand (C>G on the coding strand, the complement: CFI is on the minus strand). VCF-style: chr4-109742521-G-C. GRCh37 (hg19) VCF-style: chr4-110663677-G-C.
Other names: c.1528C>G, p.Arg510Gly (NM_001318057.2, NM_001375278.1); c.1483C>G, p.Arg495Gly (NM_001331035.2, NM_001375280.1, NM_001375282.1); c.1504C>G, p.Arg502Gly (NM_001375279.1, NM_001375281.1); c.1447C>G, p.Arg483Gly (NM_001375283.1); c.895C>G, p.Arg299Gly (NM_001375284.1); short protein forms R483G, R495G, R299G, R510G, R502G.
Identifiers: ClinVar variation 3012719 (VCV003012719.3), dbSNP rs764371341, ClinGen allele CA3041881.